The following is an entry in ClinVar:

NM_001794.5(CDH4):c.1473G>A (p.Thr491=)

Gene: CDH4 (cadherin 4; plus strand). Cytogenetic location: 20q13.33.
Variant type: single nucleotide variant.
Coding change: c.1473G>A on transcript NM_001794.5 (MANE Select); coding-DNA position 1473, G replaced by A.
Protein change: p.Thr491=; no amino-acid change (threonine 491 retained).
Molecular consequence: synonymous variant.
Genome position (GRCh38, 1-based): chr20:61,923,549, G>A. VCF-style: chr20-61923549-G-A. GRCh37 (hg19) VCF-style: chr20-60498607-G-A.
Other names: c.1362G>A, p.Thr454= (NM_001252338.2); c.1251G>A, p.Thr417= (NM_001252339.3).
Identifiers: ClinVar variation 2652461 (VCV002652461.24), dbSNP rs371245202, ClinGen allele CA9934746.
Genomic context (GRCh38, chr20:61,923,549, plus strand): 5'-AGTGATGGTGTCCAACCAGGCGCCCCTGGCCAGCGGAATCCAGATGTCCTTCCAGTCCAC[G>A]GCAGGGGTGACCATCTCCATCATGGACATCAACGAGGCTCCCTACTTCCCCTCAAACCAC-3'
Protein context (NP_001785.2, residues 481-501): ASGIQMSFQS[Thr491=]AGVTISIMDI

ClinVar aggregate classification (germline): Likely benign (1 of 4 stars; one submission).

Allele frequency attached by ClinVar (database versions not stated): gnomAD 0.00003; TOPMed 0.00003; ESP Exome Variant Server 0.00008.
gnomAD v4.1: 68 of 1,614,050 alleles (0.0042%); highest among the groups gnomAD compares: Non-Finnish European, 0.0053%; no homozygotes.

Submission:

CeGaT Center for Human Genetics Tuebingen
Classification: Likely benign. Last evaluated: 2022-09-01. Review status: criteria provided, single submitter. Criteria: CeGaT Center For Human Genetics Tuebingen Variant Classification Criteria Version 2. Collection method: clinical testing. Allele origin: germline. Affected: yes. Observed: 1 variant allele.
Comment: CDH4: BP4, BP7